The following is an entry in ClinVar:

ClinVar aggregate classification (germline): Uncertain significance (1 of 4 stars; one submission).

Submission:

Labcorp Genetics (formerly Invitae), Labcorp
Classification: Uncertain significance. Last evaluated: 2022-06-14. Review status: criteria provided, single submitter. Criteria: Invitae Variant Classification Sherloc (09022015). Collection method: clinical testing. Allele origin: germline.
Comment: In summary, the available evidence is currently insufficient to determine the role of this variant in disease. Therefore, it has been classified as a Variant of Uncertain Significance. Algorithms developed to predict the effect of missense changes on protein structure and function output the following: SIFT: "Tolerated"; PolyPhen-2: "Benign"; Align-GVGD: "Class C0". The serine amino acid residue is found in multiple mammalian species, which suggests that this missense change does not adversely affect protein function. This variant has not been reported in the literature in individuals affected with RP1-related conditions. This variant is not present in population databases (gnomAD no frequency). This sequence change replaces alanine, which is neutral and non-polar, with serine, which is neutral and polar, at codon 2064 of the RP1 protein (p.Ala2064Ser).

NM_006269.2(RP1):c.6190G>T (p.Ala2064Ser)

Gene: RP1 (RP1 axonemal microtubule associated; plus strand). Cytogenetic location: 8q12.1.
Variant type: single nucleotide variant.
Coding change: c.6190G>T on transcript NM_006269.2 (MANE Select); coding-DNA position 6190, G replaced by T.
Protein change: p.Ala2064Ser; replaces alanine 2064 with serine.
Molecular consequence: missense variant. On other transcripts: intron variant (1).
Genome position (GRCh38, 1-based): chr8:54,630,072, G>T. VCF-style: chr8-54630072-G-T. GRCh37 (hg19) VCF-style: chr8-55542632-G-T.
Other names: c.787+7784G>T (NM_001375654.1); short protein forms A2064S.
Identifiers: ClinVar variation 1909427 (VCV001909427.5), dbSNP rs1330153982, ClinGen allele CA370991036.